The following is an entry in ClinVar:

ClinVar aggregate classification (germline): Uncertain significance. Review status: criteria provided, multiple submitters, no conflicts (2 of 4 stars). 2 submissions from 2 submitters: Uncertain significance (2). Last evaluated 2023-02-04.

Conditions:
Hereditary cancer-predisposing syndrome. Also called: Tumor predisposition; Hereditary Cancer Syndrome; Neoplastic Syndromes, Hereditary; Hereditary neoplastic syndrome. Identifiers: Orphanet 140162, MedGen C0027672, MeSH D009386, MONDO:0015356.
Ataxia-telangiectasia syndrome (AT). Also called: Cerebello-oculocutaneous telangiectasia; Immunodeficiency with ataxia telangiectasia; Ataxia telangiectasia (A-T); LOUIS-BAR SYNDROME; ATAXIA-TELANGIECTASIA, COMPLEMENTATION GROUP A; ATAXIA-TELANGIECTASIA, FRESNO VARIANT. Identifiers: Orphanet 100, MedGen C0004135, MONDO:0008840, OMIM 208900.

Allele frequency attached by ClinVar (database versions not stated): gnomAD exomes below 0.00001.
gnomAD v4.1: 4 of 1,613,124 alleles (0.00025%); highest among the groups gnomAD compares: Non-Finnish European, 0.00034%; no homozygotes.

Submissions (2):

Ambry Genetics
Classification: Uncertain significance for Hereditary cancer-predisposing syndrome. Last evaluated: 2023-02-04. Review status: criteria provided, single submitter. Criteria: Ambry Variant Classification Scheme 2023. Collection method: clinical testing. Allele origin: germline.
Comment: The p.N1339K variant (also known as c.4017T>G), located in coding exon 26 of the ATM gene, results from a T to G substitution at nucleotide position 4017. The asparagine at codon 1339 is replaced by lysine, an amino acid with similar properties. This amino acid position is conserved. In addition, this alteration is predicted to be tolerated by in silico analysis. Since supporting evidence is limited at this time, the clinical significance of this alteration remains unclear.

Labcorp Genetics (formerly Invitae), Labcorp
Classification: Uncertain significance for Ataxia-telangiectasia syndrome. Last evaluated: 2015-05-01. Review status: criteria provided, single submitter. Criteria: Invitae Variant Classification Sherloc (09022015). Collection method: clinical testing. Allele origin: germline.
Comment: Algorithms developed to predict the effect of missense changes on protein structure and function (SIFT, PolyPhen-2, Align-GVGD) all suggest that this variant is likely to be tolerated. However, algorithms developed to predict the effect of sequence changes on mRNA splicing suggest that this missense change may alter mRNA splicing through the creation of a novel splice site. These predictions have not been confirmed by published functional or transcriptional studies. In summary, this is a novel missense change with uncertain impact on splicing, although it is not predicted to directly affect protein function. It has been classified as a Variant of Uncertain Significance. This variant has not been published in the literature and is not present in population databases. This sequence change replaces asparagine with lysine at codon 1339 of the ATM protein (p.Asn1339Lys). The asparagine residue is moderately conserved and there is a moderate physicochemical difference between asparagine and lysine.

NM_000051.4(ATM):c.4017T>G (p.Asn1339Lys)

Gene: ATM (ATM serine/threonine kinase; plus strand). Cytogenetic location: 11q22.3.
Variant type: single nucleotide variant.
Coding change: c.4017T>G on transcript NM_000051.4 (MANE Select); coding-DNA position 4017, T replaced by G.
Protein change: p.Asn1339Lys; replaces asparagine 1339 with lysine.
Molecular consequence: missense variant.
Genome position (GRCh38, 1-based): chr11:108,287,623, T>G. VCF-style: chr11-108287623-T-G. GRCh37 (hg19) VCF-style: chr11-108158350-T-G.
Other names: c.4017T>G, p.Asn1339Lys (NM_001351834.2); short protein forms N1339K.
Identifiers: ClinVar variation 216210 (VCV000216210.9), dbSNP rs863224569, ClinGen allele CA336702.